The following is an entry in ClinVar:

ClinVar aggregate classification (germline): Uncertain significance. Review status: criteria provided, multiple submitters, no conflicts (2 of 4 stars). 2 submissions from 2 submitters: Uncertain significance (2). Last evaluated 2025-07-06.

Allele frequency attached by ClinVar (database versions not stated): gnomAD exomes 0.00001; TOPMed 0.00001; gnomAD 0.00001.

Submissions (2):

Labcorp Genetics (formerly Invitae), Labcorp
Classification: Uncertain significance. Last evaluated: 2025-07-06. Review status: criteria provided, single submitter. Criteria: Invitae Variant Classification Sherloc (09022015). Collection method: clinical testing. Allele origin: germline.
Comment: This sequence change replaces arginine, which is basic and polar, with cysteine, which is neutral and slightly polar, at codon 445 of the MCM4 protein (p.Arg445Cys). This variant is present in population databases (rs564216331, gnomAD 0.006%). This variant has not been reported in the literature in individuals affected with MCM4-related conditions. ClinVar contains an entry for this variant (Variation ID: 3014535). Invitae Evidence Modeling of protein sequence and biophysical properties (such as structural, functional, and spatial information, amino acid conservation, physicochemical variation, residue mobility, and thermodynamic stability) indicates that this missense variant is expected to disrupt MCM4 protein function with a positive predictive value of 80%. In summary, the available evidence is currently insufficient to determine the role of this variant in disease. Therefore, it has been classified as a Variant of Uncertain Significance.

Ambry Genetics
Classification: Uncertain significance. Last evaluated: 2024-11-10. Review status: criteria provided, single submitter. Criteria: Ambry Variant Classification Scheme 2023. Collection method: clinical testing. Allele origin: germline.

NM_182746.3(MCM4):c.1333C>T (p.Arg445Cys)

Gene: MCM4 (minichromosome maintenance complex component 4; plus strand). Cytogenetic location: 8q11.21.
Variant type: single nucleotide variant.
Coding change: c.1333C>T on transcript NM_182746.3 (MANE Select); coding-DNA position 1333, C replaced by T.
Protein change: p.Arg445Cys; replaces arginine 445 with cysteine.
Molecular consequence: missense variant.
Genome position (GRCh38, 1-based): chr8:47,969,956, C>T. VCF-style: chr8-47969956-C-T. GRCh37 (hg19) VCF-style: chr8-48882516-C-T.
Other names: c.1333C>T, p.Arg445Cys (NM_005914.4); c.1333C>T (NM_005914.3); short protein forms R445C.
Identifiers: ClinVar variation 3014535 (VCV003014535.4), dbSNP rs564216331, ClinGen allele CA176158016.